The following is an entry in ClinVar:

NM_001372044.2(SHANK3):c.5083C>T (p.Pro1695Ser)

Gene: SHANK3 (SH3 and multiple ankyrin repeat domains 3; plus strand). Cytogenetic location: 22q13.33.
Variant type: single nucleotide variant.
Coding change: c.5083C>T on transcript NM_001372044.2 (MANE Select); coding-DNA position 5083, C replaced by T.
Protein change: p.Pro1695Ser; replaces proline 1695 with serine.
Molecular consequence: missense variant.
Genome position (GRCh38, 1-based): chr22:50,730,974, C>T. VCF-style: chr22-50730974-C-T. GRCh37 (hg19) VCF-style: chr22-51169402-C-T.
Other names: c.4858C>T (NM_033517.1); short protein forms P1695S.
Identifiers: ClinVar variation 3373422 (VCV003373422.1).

ClinVar aggregate classification (germline): Uncertain significance (1 of 4 stars; one submission).

Submission:

GeneDx
Classification: Uncertain significance. Last evaluated: 2024-03-05. Review status: criteria provided, single submitter. Criteria: GeneDx Variant Classification Process June 2021. Collection method: clinical testing. Allele origin: germline. Affected: yes.
Comment: Not observed at significant frequency in large population cohorts (gnomAD); In silico analysis supports that this missense variant has a deleterious effect on protein structure/function; Has not been previously published as pathogenic or benign to our knowledge